The following is an entry in ClinVar:

ClinVar aggregate classification (germline): Likely pathogenic (1 of 4 stars; one submission).

Conditions:
Cholestanol storage disease (CTX). Also called: CTX: Cerebrotendinous xanthomatosis; CEREBRAL CHOLESTERINOSIS; Cerebrotendinous Xanthomatosis. Identifiers: Orphanet 909, MedGen C0238052, MONDO:0008948, OMIM 213700.

Submission:

Women's Health and Genetics/Laboratory Corporation of America, LabCorp
Classification: Likely pathogenic for Cholestanol storage disease. Last evaluated: 2022-03-06. Review status: criteria provided, single submitter. Criteria: LabCorp Variant Classification Summary - May 2015. Collection method: clinical testing. Allele origin: germline.
Comment: Variant summary: CYP27A1 c.58delC (p.Leu20SerfsX38) results in a premature termination codon, predicted to cause a truncation of the encoded protein or absence of the protein due to nonsense mediated decay, which are commonly known mechanisms for disease. Truncations downstream of this position have not been observed or classified at our laboratory but are reported in association with Cerebrotendinous Xanthomatosis in the HGMD database. The variant was absent in 145444 control chromosomes. To our knowledge, no occurrence of c.58delC in individuals affected with Cerebrotendinous Xanthomatosis and no experimental evidence demonstrating its impact on protein function have been reported. No clinical diagnostic laboratories have submitted clinical-significance assessments for this variant to ClinVar after 2014. Based on the evidence outlined above, the variant was classified as likely pathogenic.

NM_000784.4(CYP27A1):c.58del (p.Leu20fs)

Gene: CYP27A1 (cytochrome P450 family 27 subfamily A member 1; plus strand). Cytogenetic location: 2q35.
Variant type: Deletion.
Coding change: c.58del on transcript NM_000784.4 (MANE Select); coding-DNA position 58, one base deleted (C; older notation c.58delC).
Protein change: p.Leu20fs; shifts the reading frame from leucine 20.
Molecular consequence: frameshift variant.
Genome position (GRCh38, 1-based): chr2:218,782,240, C deleted; the last of 2 consecutive C bases (chr2:218,782,239-218,782,240); deleting either gives the same sequence. VCF-style (leftmost placement, unchanged base first): chr2-218782238-GC-G. GRCh37 (hg19) VCF-style: chr2-219646961-GC-G.
Other names: short protein forms L20fs.
Identifiers: ClinVar variation 1677024 (VCV001677024.1), dbSNP rs2106479076, ClinGen allele CA2573135310.